The following is an entry in ClinVar:

NM_024928.5(STN1):c.443A>T (p.His148Leu)

Gene: STN1 (STN1 subunit of CST complex; minus strand). Cytogenetic location: 10q24.33.
Variant type: single nucleotide variant.
Coding change: c.443A>T on transcript NM_024928.5 (MANE Select); coding-DNA position 443, A replaced by T.
Protein change: p.His148Leu; replaces histidine 148 with leucine.
Molecular consequence: missense variant.
Genome position (GRCh38, 1-based): chr10:103,900,076, T>A on the plus strand (A>T on the coding strand, the complement: STN1 is on the minus strand). VCF-style: chr10-103900076-T-A. GRCh37 (hg19) VCF-style: chr10-105659834-T-A.
Other names: short protein forms H148L.
Identifiers: ClinVar variation 1357905 (VCV001357905.6), dbSNP rs1355921166, ClinGen allele CA378047240.

ClinVar aggregate classification (germline): Uncertain significance (1 of 4 stars; one submission).

gnomAD v4.1: 2 of 1,614,020 alleles (0.00012%); highest among the groups gnomAD compares: Admixed American, 0.0017%; no homozygotes.

Submission:

Labcorp Genetics (formerly Invitae), Labcorp
Classification: Uncertain significance. Last evaluated: 2022-09-07. Review status: criteria provided, single submitter. Criteria: Invitae Variant Classification Sherloc (09022015). Collection method: clinical testing. Allele origin: germline.
Comment: Algorithms developed to predict the effect of missense changes on protein structure and function (SIFT, PolyPhen-2, Align-GVGD) all suggest that this variant is likely to be tolerated. This sequence change replaces histidine, which is basic and polar, with leucine, which is neutral and non-polar, at codon 148 of the STN1 protein (p.His148Leu). This variant is not present in population databases (gnomAD no frequency). This variant has not been reported in the literature in individuals affected with STN1-related conditions. ClinVar contains an entry for this variant (Variation ID: 1357905). In summary, the available evidence is currently insufficient to determine the role of this variant in disease. Therefore, it has been classified as a Variant of Uncertain Significance.